The following is an entry in ClinVar:

ClinVar aggregate classification (germline): Likely pathogenic (1 of 4 stars; one submission).

Submission:

Labcorp Genetics (formerly Invitae), Labcorp
Classification: Likely pathogenic. Last evaluated: 2021-11-09. Review status: criteria provided, single submitter. Criteria: Invitae Variant Classification Sherloc (09022015). Collection method: clinical testing. Allele origin: germline.
Comment: In summary, the currently available evidence indicates that the variant is pathogenic, but additional data are needed to prove that conclusively. Therefore, this variant has been classified as Likely Pathogenic. This variant is not present in population databases (gnomAD no frequency). This variant has not been reported in the literature in individuals affected with COL2A1-related conditions. Advanced modeling of protein sequence and biophysical properties (such as structural, functional, and spatial information, amino acid conservation, physicochemical variation, residue mobility, and thermodynamic stability) performed at Invitae indicates that this missense variant is expected to disrupt COL2A1 protein function. This variant disrupts the triple helix domain of COL2A1. Glycine residues within the Gly-Xaa-Yaa repeats of the triple helix domain are required for the structure and stability of fibrillar collagens (PMID: 7695699, 8218237, 19344236). In COL2A1, variants affecting these glycine residues are significantly enriched in individuals with disease (PMID: 9016532, 17078022) compared to the general population (ExAC). This sequence change replaces glycine, which is neutral and non-polar, with glutamic acid, which is acidic and polar, at codon 1071 of the COL2A1 protein (p.Gly1071Glu).

Literature cited by the submitters: PubMed 7695699; PubMed 8218237; PubMed 19344236; PubMed 9016532; PubMed 17078022.

NM_001844.5(COL2A1):c.3212G>A (p.Gly1071Glu)

Gene: COL2A1 (collagen type II alpha 1 chain; minus strand). Cytogenetic location: 12q13.11.
Variant type: single nucleotide variant.
Coding change: c.3212G>A on transcript NM_001844.5 (MANE Select); coding-DNA position 3212, G replaced by A.
Protein change: p.Gly1071Glu; replaces glycine 1071 with glutamic acid.
Molecular consequence: missense variant.
Genome position (GRCh38, 1-based): chr12:47,977,381, C>T on the plus strand (G>A on the coding strand, the complement: COL2A1 is on the minus strand). VCF-style: chr12-47977381-C-T. GRCh37 (hg19) VCF-style: chr12-48371164-C-T.
Other names: c.3005G>A, p.Gly1002Glu (NM_033150.3); short protein forms G1002E, G1071E.
Identifiers: ClinVar variation 1483479 (VCV001483479.6), dbSNP rs2136521542, ClinGen allele CA384540320.
Genomic context (GRCh38, chr12:47,977,381, plus strand): 5'-GCTTCTCCTCTGTCTCCTTGCTTGCCAGTTGGACCAGCGGGGCCAGGGGAGCCAGGGGGC[C>T]CAGGGGCTCCAGGAGCTCCCACAGCACCAGTCTCACCACGATCACCCTGTCAGGAGAGAG-3'
Protein context (NP_001835.3, residues 1061-1081): TGAVGAPGAP[Gly1071Glu]PPGSPGPAGP